The following is an entry in ClinVar:

ClinVar aggregate classification (germline): Uncertain significance. Review status: criteria provided, multiple submitters, no conflicts (2 of 4 stars). 3 submissions from 3 submitters: Uncertain significance (3). Last evaluated 2024-01-19.

Conditions:
Hereditary cancer-predisposing syndrome. Also called: Hereditary Cancer Syndrome; Neoplastic Syndromes, Hereditary; Tumor predisposition; Hereditary neoplastic syndrome. Identifiers: Orphanet 140162, MedGen C0027672, MeSH D009386, MONDO:0015356.
Fanconi anemia complementation group J. Also called: BRIP1-Related Fanconi Anemia. Identifiers: Orphanet 84, MedGen C1836860, MONDO:0012187, OMIM 609054.
Familial cancer of breast. Also called: Hereditary breast cancer; hereditary breast carcinoma; BREAST CANCER, FAMILIAL. Identifiers: Orphanet 227535, MedGen C0346153, MONDO:0016419, OMIM 114480. Disease mechanism: loss of function.

Allele frequency attached by ClinVar (database versions not stated): gnomAD exomes below 0.00001.
gnomAD v4.1: 3 of 1,614,098 alleles (0.00019%); highest among the groups gnomAD compares: Non-Finnish European, 0.00025%; no homozygotes.

Submissions (3):

Labcorp Genetics (formerly Invitae), Labcorp
Classification: Uncertain significance for Familial cancer of breast; Fanconi anemia complementation group J. Last evaluated: 2024-01-19. Review status: criteria provided, single submitter. Criteria: Invitae Variant Classification Sherloc (09022015). Collection method: clinical testing. Allele origin: germline.
Comment: This sequence change replaces glycine, which is neutral and non-polar, with alanine, which is neutral and non-polar, at codon 1014 of the BRIP1 protein (p.Gly1014Ala). This variant is present in population databases (no rsID available, gnomAD 0.0009%). This variant has not been reported in the literature in individuals affected with BRIP1-related conditions. ClinVar contains an entry for this variant (Variation ID: 232426). An algorithm developed to predict the effect of missense changes on protein structure and function (PolyPhen-2) suggests that this variant is likely to be tolerated. In summary, the available evidence is currently insufficient to determine the role of this variant in disease. Therefore, it has been classified as a Variant of Uncertain Significance.

Ambry Genetics
Classification: Uncertain significance for Hereditary cancer-predisposing syndrome. Last evaluated: 2023-05-30. Review status: criteria provided, single submitter. Criteria: Ambry Variant Classification Scheme 2023. Collection method: clinical testing. Allele origin: germline.
Comment: The p.G1014A variant (also known as c.3041G>C), located in coding exon 19 of the BRIP1 gene, results from a G to C substitution at nucleotide position 3041. The glycine at codon 1014 is replaced by alanine, an amino acid with similar properties. This amino acid position is poorly conserved in available vertebrate species. In addition, this alteration is predicted to be tolerated by in silico analysis. Since supporting evidence is limited at this time, the clinical significance of this alteration remains unclear.

GeneDx
Classification: Uncertain significance. Last evaluated: 2022-10-17. Review status: criteria provided, single submitter. Criteria: GeneDx Variant Classification Process June 2021. Collection method: clinical testing. Allele origin: germline. Affected: yes.
Comment: Not observed at significant frequency in large population cohorts (gnomAD); In silico analysis supports that this missense variant does not alter protein structure/function; Has not been previously published as pathogenic or benign to our knowledge; This variant is associated with the following publications: (PMID: 27641504, 11301010)

NM_032043.3(BRIP1):c.3041G>C (p.Gly1014Ala)

Gene: BRIP1 (BRCA1 interacting DNA helicase 1; minus strand). Cytogenetic location: 17q23.2.
Variant type: single nucleotide variant.
Coding change: c.3041G>C on transcript NM_032043.3 (MANE Select); coding-DNA position 3041, G replaced by C.
Protein change: p.Gly1014Ala; replaces glycine 1014 with alanine.
Molecular consequence: missense variant.
Genome position (GRCh38, 1-based): chr17:61,684,005, C>G on the plus strand (G>C on the coding strand, the complement: BRIP1 is on the minus strand). VCF-style: chr17-61684005-C-G. GRCh37 (hg19) VCF-style: chr17-59761366-C-G.
Other names: short protein forms G1014A.
Identifiers: ClinVar variation 232426 (VCV000232426.16), dbSNP rs876659757, ClinGen allele CA10580784.